The following is an entry in ClinVar:

ClinVar aggregate classification (germline): Uncertain significance (1 of 4 stars; one submission).

gnomAD v4.1: 3 of 1,589,702 alleles (0.00019%); highest among the groups gnomAD compares: East Asian, 0.0022%; no homozygotes.

Submission:

GeneDx
Classification: Uncertain significance. Last evaluated: 2024-09-16. Review status: criteria provided, single submitter. Criteria: GeneDx Variant Classification Process June 2021. Collection method: clinical testing. Allele origin: germline. Affected: yes.
Comment: Not observed at significant frequency in large population cohorts (gnomAD); In silico analysis supports that this missense variant has a deleterious effect on protein structure/function; Has not been previously published as pathogenic or benign to our knowledge

NM_020806.5(GPHN):c.1825A>G (p.Met609Val)

Gene: GPHN (gephyrin; plus strand). Cytogenetic location: 14q23.3.
Variant type: single nucleotide variant.
Coding change: c.1825A>G on transcript NM_020806.5 (MANE Select); coding-DNA position 1825, A replaced by G.
Protein change: p.Met609Val; replaces methionine 609 with valine.
Molecular consequence: missense variant.
Genome position (GRCh38, 1-based): chr14:67,143,438, A>G. VCF-style: chr14-67143438-A-G. GRCh37 (hg19) VCF-style: chr14-67610155-A-G.
Other names: c.1726A>G, p.Met576Val (NM_001024218.2); c.1885A>G, p.Met629Val (NM_001377514.1); c.1855A>G, p.Met619Val (NM_001377515.1); c.1846A>G, p.Met616Val (NM_001377516.1); c.1798A>G, p.Met600Val (NM_001377517.1); c.1783A>G, p.Met595Val (NM_001377518.1); c.1765A>G, p.Met589Val (NM_001377519.1); short protein forms M576V, M589V, M595V, M600V, M609V, M616V, M619V, M629V.
Identifiers: ClinVar variation 3769773 (VCV003769773.1).